The following is an entry in ClinVar:

NM_205768.3(ZBTB18):c.1465G>T (p.Asp489Tyr)

Gene: ZBTB18 (zinc finger and BTB domain containing 18; plus strand). Cytogenetic location: 1q44.
Variant type: single nucleotide variant.
Coding change: c.1465G>T on transcript NM_205768.3 (MANE Select); coding-DNA position 1465, G replaced by T.
Protein change: p.Asp489Tyr; replaces aspartic acid 489 with tyrosine.
Molecular consequence: missense variant.
Genome position (GRCh38, 1-based): chr1:244,055,239, G>T. VCF-style: chr1-244055239-G-T. GRCh37 (hg19) VCF-style: chr1-244218541-G-T.
Other names: NM_205768.3(ZBTB18):c.1465G>T; p.Asp489Tyr; c.1438G>T, p.Asp480Tyr (NM_006352.5, NM_001278196.2); short protein forms D480Y, D489Y.
Identifiers: ClinVar variation 689797 (VCV000689797.6), dbSNP rs1572532005, ClinGen allele CA345675195.

ClinVar aggregate classification (germline): Conflicting classifications of pathogenicity. Review status: criteria provided, conflicting classifications (1 of 4 stars). 3 submissions from 3 submitters: Likely pathogenic (2); Uncertain significance (1). Last evaluated 2024-05-17.

Conditions:
Intellectual developmental disorder, autosomal dominant 22. Also called: Intellectual disability, autosomal dominant 22. Identifiers: MedGen CN029689, MONDO:0012869, OMIM 612337.
Intellectual disability. Also called: Intellectual developmental disorder; Intellectual functioning disability; intellectual disabilities. Identifiers: MedGen C3714756, MeSH D008607, MONDO:0001071, HP:0001249.

Submissions (3):

Broad Center for Mendelian Genomics, Broad Institute of MIT and Harvard
Classification: Uncertain significance for Intellectual disability. Last evaluated: 2024-05-17. Review status: criteria provided, single submitter. Criteria: ACMG Guidelines, 2015. Collection method: curation. Allele origin: germline. Inheritance: Autosomal dominant inheritance.
Comment: Trio exome analysis showed this variant to be de novo. The variant in has also been reported in one individual with intellectual developmental disorder (PMID: 31216405), but was absent from large population studies. The number of reported affected individuals with this variant is slightly greater than expected compared to non-affected individuals with this variant. This variant has been reported in ClinVar (Variation ID: 689797) and has been interpreted as likely pathogenic by Baylor Genetics and Institute for Clinical Genetics, University Hospital TU Dresden. Computational prediction tools and conservation analyses do not provide strong support for or against an impact to the protein. The number of missense variants reported in ZBTB18 in the general population is lower than expected, suggesting there is little benign variation in this gene and slightly increasing the possibility that a missense variant in this gene may not be tolerated. In summary, the clinical significance of the p.Asp489Val variant is uncertain. ACMG/AMP Criteria applied: PS2_Supporting, PS4_Supporting, PM2_Supporting, PP2 (Richards 2015).

Baylor Genetics
Classification: Likely pathogenic for Intellectual developmental disorder, autosomal dominant 22. Last evaluated: 2024-03-13. Review status: criteria provided, single submitter. Criteria: ACMG Guidelines, 2015. Collection method: clinical testing. Allele origin: unknown.

Institute for Clinical Genetics, University Hospital TU Dresden, University Hospital TU Dresden
Classification: Likely pathogenic. Last evaluated: 2021-11-03. Review status: criteria provided, single submitter. Criteria: ACMG Guidelines, 2015. Collection method: clinical testing. Allele origin: germline.